The following is an entry in ClinVar:

ClinVar aggregate classification (germline): Uncertain significance (1 of 4 stars; one submission).

Submission:

Labcorp Genetics (formerly Invitae), Labcorp
Classification: Uncertain significance. Last evaluated: 2024-06-03. Review status: criteria provided, single submitter. Criteria: Invitae Variant Classification Sherloc (09022015). Collection method: clinical testing. Allele origin: germline.
Comment: This sequence change results in a frameshift in the KRT3 gene (p.Gly603Alafs*104). While this is not anticipated to result in nonsense mediated decay, it is expected to disrupt the last 26 amino acid(s) of the KRT3 protein and extend the protein by 77 additional amino acid residues. The frequency data for this variant in the population databases is considered unreliable, as metrics indicate poor data quality at this position in the gnomAD database. This variant has not been reported in the literature in individuals affected with KRT3-related conditions. Experimental studies and prediction algorithms are not available or were not evaluated, and the functional significance of this variant is currently unknown. In summary, the available evidence is currently insufficient to determine the role of this variant in disease. Therefore, it has been classified as a Variant of Uncertain Significance.

NM_057088.3(KRT3):c.1808del (p.Gly603fs)

Gene: KRT3 (keratin 3; minus strand). Cytogenetic location: 12q13.13.
Variant type: Deletion.
Coding change: c.1808del on transcript NM_057088.3 (MANE Select); coding-DNA position 1808, one base deleted (G; older notation c.1808delG).
Protein change: p.Gly603fs; shifts the reading frame from glycine 603.
Molecular consequence: frameshift variant.
Genome position (GRCh38, 1-based): chr12:52,790,121, C deleted on the plus strand (G on the coding strand, the reverse complement: KRT3 is on the minus strand); the first of 5 consecutive C bases (chr12:52,790,121-52,790,125); deleting any one gives the same sequence. VCF-style (leftmost placement, unchanged base first): chr12-52790120-GC-G. GRCh37 (hg19) VCF-style: chr12-53183904-GC-G.
Other names: short protein forms G603fs.
Identifiers: ClinVar variation 3625656 (VCV003625656.2).